The following is an entry in ClinVar:

NM_001709.5(BDNF):c.490G>T (p.Val164Phe)

Genes: BDNF (brain derived neurotrophic factor; minus strand), BDNF-AS (BDNF antisense RNA; plus strand). Cytogenetic location: 11p14.1.
Variant type: single nucleotide variant.
Coding change: c.490G>T on transcript NM_001709.5 (MANE Select); coding-DNA position 490, G replaced by T.
Protein change: p.Val164Phe; replaces valine 164 with phenylalanine.
Molecular consequence: missense variant.
Genome position (GRCh38, 1-based): chr11:27,658,075, C>A on the plus strand (G>T on the coding strand, the complement: BDNF is on the minus strand). VCF-style: chr11-27658075-C-A. GRCh37 (hg19) VCF-style: chr11-27679622-C-A.
Other names: c.490G>T, p.Val164Phe (NM_001143805.1, NM_001143806.1, NM_001143807.2 and 9 more transcripts); c.577G>T, p.Val193Phe (NM_001143809.2); c.736G>T, p.Val246Phe (NM_001143810.2); c.514G>T, p.Val172Phe (NM_170731.5); c.535G>T, p.Val179Phe (NM_170734.4); short protein forms V246F, V193F, V164F, V172F, V179F.
Identifiers: ClinVar variation 4997778 (VCV004997778.1).

ClinVar aggregate classification (germline): Uncertain significance (1 of 4 stars; one submission).

Conditions:
BDNF-related disorder. Also called: BDNF-related condition.

Submission:

PreventionGenetics, part of Exact Sciences
Classification: Uncertain significance for BDNF-related condition. Last evaluated: 2025-04-24. Review status: criteria provided, single submitter. Criteria: ACMG Guidelines, 2015. Collection method: clinical testing. Allele origin: germline.
Comment: The BDNF c.736G>T variant is predicted to result in the amino acid substitution p.Val246Phe. To our knowledge, this variant has not been reported in the literature or in a large population database (gnomAD), indicating this variant is rare. This variant is also known as c.490G>T (p.Val164Phe) on the MANE Select transcript NM_001709. At this time, the clinical significance of this variant is uncertain due to the absence of conclusive functional and genetic evidence.